The following is an entry in ClinVar:

NM_000363.5(TNNI3):c.309T>C (p.Arg103=)

Gene: TNNI3 (troponin I3, cardiac type; minus strand). Cytogenetic location: 19q13.42.
Variant type: single nucleotide variant.
Coding change: c.309T>C on transcript NM_000363.5 (MANE Select); coding-DNA position 309, T replaced by C.
Protein change: p.Arg103=; no amino-acid change (arginine 103 retained).
Molecular consequence: synonymous variant.
Genome position (GRCh38, 1-based): chr19:55,154,804, A>G on the plus strand (T>C on the coding strand, the complement: TNNI3 is on the minus strand). VCF-style: chr19-55154804-A-G. GRCh37 (hg19) VCF-style: chr19-55666172-A-G.
Other names: c.309T>C (LRG_432t1).
Identifiers: ClinVar variation 385537 (VCV000385537.10), dbSNP rs749136271, ClinGen allele CA051184.
Genomic context (GRCh38, chr19:55,154,804, plus strand): 5'-CGTGATGTTCTTGGTGACTTTTGCCTCTATGTCGTATCTCTCTTCATCCACCTTGTCCAC[A>G]CGGGCGTGGAGCTGTCGGCACAAGTCCTGGAGGAGGAACGTGGTGTGTGTTGTTGGGGGA-3'
Protein context (NP_000354.4, residues 93-113): LQDLCRQLHA[Arg103=]VDKVDEERYD

ClinVar aggregate classification (germline): Likely benign. Review status: criteria provided, multiple submitters, no conflicts (2 of 4 stars). 4 submissions from 4 submitters: Likely benign (4). Last evaluated 2025-09-16.

Conditions:
Cardiomyopathy (CMYO). Also called: Cardiomyopathies. Identifiers: Orphanet 167848, MedGen C0878544, MONDO:0004994, HP:0001638. Inheritance: Various modes of inheritance.
Hypertrophic cardiomyopathy. Also called: HYPERTROPHIC MYOCARDIOPATHY. Identifiers: Orphanet 217569, MedGen C0007194, MeSH D002312, MONDO:0005045, HP:0001639.

Allele frequency attached by ClinVar (database versions not stated): gnomAD exomes below 0.00001; ExAC 0.00001.
gnomAD v4.1: 1 of 1,614,074 alleles (0.000062%); highest among the groups gnomAD compares: Non-Finnish European, 0.000085%; no homozygotes.

Submissions (4):

Labcorp Genetics (formerly Invitae), Labcorp
Classification: Likely benign for Hypertrophic cardiomyopathy. Last evaluated: 2025-09-16. Review status: criteria provided, single submitter. Criteria: Invitae Variant Classification Sherloc (09022015). Collection method: clinical testing. Allele origin: germline.

All of Us Research Program, National Institutes of Health
Classification: Likely benign for Hypertrophic cardiomyopathy. Last evaluated: 2023-01-10. Review status: criteria provided, single submitter. Criteria: ACMG Guidelines, 2015. Collection method: clinical testing. Allele origin: germline. Inheritance: Autosomal dominant inheritance. Observed: 1 variant allele, 1 heterozygote.
Comment: This study involves interpretation of variants in research participants for the purpose of population health screening. Participant phenotype was not available at the time of variant classification. Additional details can be found in publication PMID: 35346344, PMCID: PMC8962531

Color Diagnostics, LLC DBA Color Health
Classification: Likely benign for Cardiomyopathy. Last evaluated: 2018-03-23. Review status: criteria provided, single submitter. Criteria: ACMG Guidelines, 2015. Collection method: clinical testing. Allele origin: germline.

GeneDx
Classification: Likely benign. Last evaluated: 2016-04-18. Review status: criteria provided, single submitter. Criteria: GeneDx Variant Classification (06012015). Collection method: clinical testing. Allele origin: germline. Affected: yes.
Comment: This variant is considered likely benign or benign based on one or more of the following criteria: it is a conservative change, it occurs at a poorly conserved position in the protein, it is predicted to be benign by multiple in silico algorithms, and/or has population frequency not consistent with disease.